The following is an entry in ClinVar:

NM_001069.3(TUBB2A):c.1157C>T (p.Thr386Met)

Gene: TUBB2A (tubulin beta 2A class IIa; minus strand). Cytogenetic location: 6p25.2.
Variant type: single nucleotide variant.
Coding change: c.1157C>T on transcript NM_001069.3 (MANE Select); coding-DNA position 1157, C replaced by T.
Protein change: p.Thr386Met; replaces threonine 386 with methionine.
Molecular consequence: missense variant.
Genome position (GRCh38, 1-based): chr6:3,154,044, G>A on the plus strand (C>T on the coding strand, the complement: TUBB2A is on the minus strand). VCF-style: chr6-3154044-G-A. GRCh37 (hg19) VCF-style: chr6-3154278-G-A.
Other names: c.902C>T, p.Thr301Met (NM_001310315.2); short protein forms T301M, T386M.
Identifiers: ClinVar variation 3253211 (VCV003253211.2), dbSNP rs1479386177.

ClinVar aggregate classification (germline): Uncertain significance (1 of 4 stars; one submission).

Submission:

GeneDx
Classification: Uncertain significance. Last evaluated: 2025-03-26. Review status: criteria provided, single submitter. Criteria: GeneDx Variant Classification Process June 2021. Collection method: clinical testing. Allele origin: germline.
Comment: Not observed at significant frequency in large population cohorts (gnomAD); In silico analysis supports that this missense variant has a deleterious effect on protein structure/function; Has not been previously published as pathogenic or benign to our knowledge